The following is an entry in ClinVar:

NM_015450.3(POT1):c.1314T>C (p.Phe438=)

Gene: POT1 (protection of telomeres 1; minus strand). Cytogenetic location: 7q31.33.
Variant type: single nucleotide variant.
Coding change: c.1314T>C on transcript NM_015450.3 (MANE Select); coding-DNA position 1314, T replaced by C.
Protein change: p.Phe438=; no amino-acid change (phenylalanine 438 retained).
Molecular consequence: synonymous variant. On other transcripts: non-coding transcript variant (3).
Genome position (GRCh38, 1-based): chr7:124,841,028, A>G on the plus strand (T>C on the coding strand, the complement: POT1 is on the minus strand). VCF-style: chr7-124841028-A-G. GRCh37 (hg19) VCF-style: chr7-124481082-A-G.
Other names: c.921T>C, p.Phe307= (NM_001042594.2).
Identifiers: ClinVar variation 3343580 (VCV003343580.1).

ClinVar aggregate classification (germline): Uncertain significance (1 of 4 stars; one submission).

Submission:

GeneDx
Classification: Uncertain significance. Last evaluated: 2023-05-16. Review status: criteria provided, single submitter. Criteria: GeneDx Variant Classification Process June 2021. Collection method: clinical testing. Allele origin: germline. Affected: yes.
Comment: Not observed at significant frequency in large population cohorts (gnomAD); In silico analysis supports that this variant does not alter splicing; Has not been previously published as pathogenic or benign to our knowledge